The following is an entry in ClinVar:

ClinVar aggregate classification (germline): Uncertain significance (1 of 4 stars; one submission).

Conditions:
Familial thoracic aortic aneurysm and aortic dissection (TAAD). Also called: Thoracic aortic aneurysms and dissections. Identifiers: Orphanet 91387, MedGen C4707243, MONDO:0019625.

Submission:

Ambry Genetics
Classification: Uncertain significance for Familial thoracic aortic aneurysm and aortic dissection. Last evaluated: 2026-06-30. Review status: criteria provided, single submitter. Criteria: Ambry Variant Classification Scheme 2023. Collection method: clinical testing. Allele origin: germline.
Comment: The p.I519V variant (also known as c.1555A>G), located in coding exon 12 of the MYH11 gene, results from an A to G substitution at nucleotide position 1555. The isoleucine at codon 519 is replaced by valine, an amino acid with highly similar properties. This amino acid position is highly conserved in available vertebrate species. In addition, the in silico prediction for this alteration is inconclusive. Based on the available evidence, the clinical significance of this variant remains unclear.

NM_002474.3(MYH11):c.1555A>G (p.Ile519Val)

Gene: MYH11 (myosin heavy chain 11; minus strand). Cytogenetic location: 16p13.11.
Variant type: single nucleotide variant.
Coding change: c.1555A>G on transcript NM_002474.3 (MANE Select); coding-DNA position 1555, A replaced by G.
Protein change: p.Ile519Val; replaces isoleucine 519 with valine.
Molecular consequence: missense variant.
Genome position (GRCh38, 1-based): chr16:15,757,847, T>C on the plus strand (A>G on the coding strand, the complement: MYH11 is on the minus strand). VCF-style: chr16-15757847-T-C. GRCh37 (hg19) VCF-style: chr16-15851704-T-C.
Other names: c.1576A>G, p.Ile526Val (NM_001040113.2, NM_001040114.2); c.1555A>G, p.Ile519Val (NM_022844.3); short protein forms I519V, I526V.
Identifiers: ClinVar variation 5025055 (VCV005025055.1).